The following is an entry in ClinVar:

NM_016604.4(KDM3B):c.2856A>G (p.Val952=)

Gene: KDM3B (lysine demethylase 3B; plus strand). Cytogenetic location: 5q31.2.
Variant type: single nucleotide variant.
Coding change: c.2856A>G on transcript NM_016604.4 (MANE Select); coding-DNA position 2856, A replaced by G.
Protein change: p.Val952=; no amino-acid change (valine 952 retained).
Molecular consequence: synonymous variant.
Genome position (GRCh38, 1-based): chr5:138,398,202, A>G. VCF-style: chr5-138398202-A-G. GRCh37 (hg19) VCF-style: chr5-137733891-A-G.
Identifiers: ClinVar variation 3056882 (VCV003056882.2), dbSNP rs17294563, ClinGen allele CA3429130.
Genomic context (GRCh38, chr5:138,398,202, plus strand): 5'-CTCCTGCGATTTACCATGTATTTGATCATGTCTCAGGTTGATCTTCACTCGAAAAGGGGT[A>G]CTCCGTGTGGAGGGGTTTTTAAGCCCCCAGCAAAGTGACCCTGATGCCATGAACCTGTGG-3'
Protein context (NP_057688.3, residues 942-962): FRRLIFTRKG[Val952=]LRVEGFLSPQ

ClinVar aggregate classification (germline): Benign (0 of 4 stars; one submission).

Conditions:
KDM3B-related disorder. Also called: KDM3B-related condition.

Allele frequency attached by ClinVar (database versions not stated): 1000 Genomes Project 30x 0.10775; 1000 Genomes Project 0.11162; TOPMed 0.11399; gnomAD 0.12733; ESP Exome Variant Server 0.13378; ExAC 0.15626; gnomAD exomes 0.17816.
gnomAD v4.1: 278,221 of 1,612,612 alleles (17%); highest among the groups gnomAD compares: South Asian, 24%; 26,516 homozygotes.

Submission:

PreventionGenetics, part of Exact Sciences
Classification: Benign for KDM3B-related condition. Last evaluated: 2019-11-06. Review status: no assertion criteria provided. Collection method: clinical testing. Allele origin: germline.
Comment: This variant is classified as benign based on ACMG/AMP sequence variant interpretation guidelines (Richards et al. 2015 PMID: 25741868, with internal and published modifications).